The following is an entry in ClinVar:

NM_001330260.2(SCN8A):c.3732C>T (p.Ile1244=)

Gene: SCN8A (sodium voltage-gated channel alpha subunit 8; plus strand). Cytogenetic location: 12q13.13.
Variant type: single nucleotide variant.
Coding change: c.3732C>T on transcript NM_001330260.2 (MANE Select); coding-DNA position 3732, C replaced by T.
Protein change: p.Ile1244=; no amino-acid change (isoleucine 1244 retained).
Molecular consequence: synonymous variant.
Genome position (GRCh38, 1-based): chr12:51,774,275, C>T. VCF-style: chr12-51774275-C-T. GRCh37 (hg19) VCF-style: chr12-52168059-C-T.
Other names: c.3732C>T, p.Ile1244= (NM_001177984.3, NM_001369788.1, NM_014191.4).
Identifiers: ClinVar variation 4823087 (VCV004823087.4).

ClinVar aggregate classification (germline): Likely benign (1 of 4 stars; one submission).

gnomAD v4.1: 8 of 1,614,090 alleles (0.0005%); highest among the groups gnomAD compares: African/African-American, 0.0013%; no homozygotes.

Submission:

CeGaT Center for Human Genetics Tuebingen
Classification: Likely benign. Last evaluated: 2026-01-01. Review status: criteria provided, single submitter. Criteria: CeGaT Center For Human Genetics Tuebingen Variant Classification Criteria Version 2. Collection method: clinical testing. Allele origin: germline. Affected: yes. Observed: 1 variant allele.
Comment: SCN8A: BP4